The following is an entry in ClinVar:

ClinVar aggregate classification (germline): Uncertain significance. Review status: criteria provided, multiple submitters, no conflicts (2 of 4 stars). 2 submissions from 2 submitters: Uncertain significance (2). Last evaluated 2025-08-04.

Conditions:
Epileptic encephalopathy. Identifiers: MedGen C0543888, HP:0200134.

Allele frequency attached by ClinVar (database versions not stated): TOPMed below 0.00001; gnomAD exomes 0.00002.
gnomAD v4.1: 23 of 1,604,842 alleles (0.0014%); highest among the groups gnomAD compares: Non-Finnish European, 0.002%; no homozygotes.

Submissions (2):

Ambry Genetics
Classification: Uncertain significance. Last evaluated: 2025-08-04. Review status: criteria provided, single submitter. Criteria: Ambry Variant Classification Scheme 2023. Collection method: clinical testing. Allele origin: germline.

Labcorp Genetics (formerly Invitae), Labcorp
Classification: Uncertain significance for Epileptic encephalopathy. Last evaluated: 2023-07-14. Review status: criteria provided, single submitter. Criteria: Invitae Variant Classification Sherloc (09022015). Collection method: clinical testing. Allele origin: germline.
Comment: In summary, the available evidence is currently insufficient to determine the role of this variant in disease. Therefore, it has been classified as a Variant of Uncertain Significance. Algorithms developed to predict the effect of missense changes on protein structure and function output the following: SIFT: "Not Available"; PolyPhen-2: "Benign"; Align-GVGD: "Not Available". The lysine amino acid residue is found in multiple mammalian species, which suggests that this missense change does not adversely affect protein function. This variant has not been reported in the literature in individuals affected with FASN-related conditions. This variant is not present in population databases (gnomAD no frequency). This sequence change replaces glutamine, which is neutral and polar, with lysine, which is basic and polar, at codon 409 of the FASN protein (p.Gln409Lys).

NM_004104.5(FASN):c.1225C>A (p.Gln409Lys)

Gene: FASN (fatty acid synthase; minus strand). Cytogenetic location: 17q25.3.
Variant type: single nucleotide variant.
Coding change: c.1225C>A on transcript NM_004104.5 (MANE Select); coding-DNA position 1225, C replaced by A.
Protein change: p.Gln409Lys; replaces glutamine 409 with lysine.
Molecular consequence: missense variant.
Genome position (GRCh38, 1-based): chr17:82,091,489, G>T on the plus strand (C>A on the coding strand, the complement: FASN is on the minus strand). VCF-style: chr17-82091489-G-T. GRCh37 (hg19) VCF-style: chr17-80049365-G-T.
Other names: c.1225C>A (NM_004104.4); short protein forms Q409K.
Identifiers: ClinVar variation 2883514 (VCV002883514.4), dbSNP rs1024910943, ClinGen allele CA295137873.